The following is an entry in ClinVar:

ClinVar aggregate classification (germline): Uncertain significance (1 of 4 stars; one submission).

Submission:

Labcorp Genetics (formerly Invitae), Labcorp
Classification: Uncertain significance. Last evaluated: 2024-07-01. Review status: criteria provided, single submitter. Criteria: Invitae Variant Classification Sherloc (09022015). Collection method: clinical testing. Allele origin: germline.
Comment: This sequence change replaces serine, which is neutral and polar, with arginine, which is basic and polar, at codon 2096 of the MYO18B protein (p.Ser2096Arg). This variant is not present in population databases (gnomAD no frequency). This variant has not been reported in the literature in individuals affected with MYO18B-related conditions. An algorithm developed to predict the effect of missense changes on protein structure and function (PolyPhen-2) suggests that this variant is likely to be tolerated. In summary, the available evidence is currently insufficient to determine the role of this variant in disease. Therefore, it has been classified as a Variant of Uncertain Significance.

NM_032608.7(MYO18B):c.6288T>G (p.Ser2096Arg)

Gene: MYO18B (myosin XVIIIB; plus strand). Cytogenetic location: 22q12.1.
Variant type: single nucleotide variant.
Coding change: c.6288T>G on transcript NM_032608.7 (MANE Select); coding-DNA position 6288, T replaced by G.
Protein change: p.Ser2096Arg; replaces serine 2096 with arginine.
Molecular consequence: missense variant.
Genome position (GRCh38, 1-based): chr22:26,003,265, T>G. VCF-style: chr22-26003265-T-G. GRCh37 (hg19) VCF-style: chr22-26399231-T-G.
Other names: c.6291T>G, p.Ser2097Arg (NM_001318245.2); short protein forms S2097R, S2096R.
Identifiers: ClinVar variation 3647672 (VCV003647672.2).
Genomic context (GRCh38, chr22:26,003,265, plus strand): 5'-CATGCTTCCAAGCCCCTGGCAGCACGAGGATAACACACTCTTTCTTGTGCCTCTTACTAG[T>G]GTCCAGACGGCAGTGGATTGTGGCAGCAGCGGCCGAAAAGAGATGTAAGTTAACCCCAGG-3'
Protein context (NP_115997.5, residues 2086-2106): EVASSDSDTE[Ser2096Arg]VQTAVDCGSS